The following is an entry in ClinVar:

NM_001134407.3(GRIN2A):c.415-15T>C

Gene: GRIN2A (glutamate ionotropic receptor NMDA type subunit 2A; minus strand). Cytogenetic location: 16p13.2.
Variant type: single nucleotide variant.
Coding change: c.415-15T>C on transcript NM_001134407.3 (MANE Select); 15 bases into the intron before coding-DNA position 415, T replaced by C.
Molecular consequence: intron variant.
Genome position (GRCh38, 1-based): chr16:9,938,566, A>G on the plus strand (T>C on the coding strand, the complement: GRIN2A is on the minus strand). VCF-style: chr16-9938566-A-G. GRCh37 (hg19) VCF-style: chr16-10032423-A-G.
Other names: c.415-15T>C (NM_001134408.2, NM_000833.5).
Identifiers: ClinVar variation 387652 (VCV000387652.4), dbSNP rs1057522859, ClinGen allele CA16608373.
Genomic context (GRCh38, chr16:9,938,566, plus strand): 5'-GCTGCTGGATGGACGCTCCAAACTGGAAGAAGGTAGACGTCGGATCCTGCCAGTGAAAAG[A>G]AAGTAAAACAGAGGATGAGGCAGGAGGTGGTTTATATAGAAGCACAAACTGCGTCCTAGA-3'

ClinVar aggregate classification (germline): Likely benign. Review status: criteria provided, multiple submitters, no conflicts (2 of 4 stars). 2 submissions from 2 submitters: Likely benign (2). Last evaluated 2023-12-14.

Conditions:
Landau-Kleffner syndrome (FESD). Also called: EPILEPSY, FOCAL, WITH SPEECH DISORDER AND WITH OR WITHOUT MENTAL RETARDATION; APHASIA, ACQUIRED, WITH EPILEPSY. Identifiers: Orphanet 1945, Orphanet 725, Orphanet 98818, MedGen C0282512, MONDO:0009509, OMIM 245570.

Allele frequency attached by ClinVar (database versions not stated): TOPMed 0.00001.
gnomAD v4.1: 2 of 1,587,060 alleles (0.00013%); highest among the groups gnomAD compares: African/African-American, 0.0013%; no homozygotes.

Submissions (2):

Labcorp Genetics (formerly Invitae), Labcorp
Classification: Likely benign for Landau-Kleffner syndrome. Last evaluated: 2023-12-14. Review status: criteria provided, single submitter. Criteria: Invitae Variant Classification Sherloc (09022015). Collection method: clinical testing. Allele origin: germline.

GeneDx
Classification: Likely benign. Last evaluated: 2016-07-21. Review status: criteria provided, single submitter. Criteria: GeneDx Variant Classification (06012015). Collection method: clinical testing. Allele origin: germline. Affected: yes.
Comment: This variant is considered likely benign or benign based on one or more of the following criteria: it is a conservative change, it occurs at a poorly conserved position in the protein, it is predicted to be benign by multiple in silico algorithms, and/or has population frequency not consistent with disease.